The following is an entry in ClinVar:

NM_001382273.1(TNK2):c.-18-6656G>T

Gene: TNK2 (tyrosine kinase non receptor 2; minus strand). Cytogenetic location: 3q29.
Variant type: single nucleotide variant.
Coding change: c.-18-6656G>T on transcript NM_001382273.1 (MANE Select); 6656 bases into the intron before 18 bases upstream of the start codon, G replaced by T.
Molecular consequence: intron variant. On other transcripts: missense variant (4).
Genome position (GRCh38, 1-based): chr3:195,895,262, C>A on the plus strand (G>T on the coding strand, the complement: TNK2 is on the minus strand). VCF-style: chr3-195895262-C-A. GRCh37 (hg19) VCF-style: chr3-195622133-C-A.
Other names: c.38G>T, p.Gly13Val (NM_001010938.2, NM_001382272.1, NM_001387708.1 and 1 more transcripts); c.-18-6656G>T (NM_001387720.1, NM_005781.5, NM_001386164.1 and 1 more transcripts); c.-19+1905G>T (NM_001387714.1); c.-19+1481G>T (NM_001387711.1); c.-19+791G>T (NM_001387721.1, NM_001387710.1); c.-19+633G>T (NM_001387719.1, NM_001387713.1, NM_001387712.1 and 2 more transcripts); short protein forms G13V.
Identifiers: ClinVar variation 2014044 (VCV002014044.4), dbSNP rs2476033889, ClinGen allele CA355586724.

ClinVar aggregate classification (germline): Uncertain significance (1 of 4 stars; one submission).

Submission:

Labcorp Genetics (formerly Invitae), Labcorp
Classification: Uncertain significance. Last evaluated: 2022-02-05. Review status: criteria provided, single submitter. Criteria: Invitae Variant Classification Sherloc (09022015). Collection method: clinical testing. Allele origin: germline.
Comment: In summary, the available evidence is currently insufficient to determine the role of this variant in disease. Therefore, it has been classified as a Variant of Uncertain Significance. Algorithms developed to predict the effect of missense changes on protein structure and function (SIFT, PolyPhen-2, Align-GVGD) all suggest that this variant is likely to be tolerated. This variant has not been reported in the literature in individuals affected with TNK2-related conditions. This variant is not present in population databases (gnomAD no frequency). This sequence change replaces glycine, which is neutral and non-polar, with valine, which is neutral and non-polar, at codon 52 of the TNK2 protein (p.Gly52Val).